The following is an entry in ClinVar:

NM_001372076.1(PAX9):c.229C>G (p.Arg77Gly)

Gene: PAX9 (paired box 9; plus strand). Cytogenetic location: 14q13.3.
Variant type: single nucleotide variant.
Coding change: c.229C>G on transcript NM_001372076.1 (MANE Select); coding-DNA position 229, C replaced by G.
Protein change: p.Arg77Gly; replaces arginine 77 with glycine.
Molecular consequence: missense variant.
Genome position (GRCh38, 1-based): chr14:36,663,121, C>G. VCF-style: chr14-36663121-C-G. GRCh37 (hg19) VCF-style: chr14-37132326-C-G.
Other names: c.229C>G, p.Arg77Gly (NM_006194.4); short protein forms R77G.
Identifiers: ClinVar variation 4698287 (VCV004698287.1).
Genomic context (GRCh38, chr14:36,663,121, plus strand): 5'-CTGGCGCGATACAACGAGACGGGCTCGATCTTGCCAGGAGCCATCGGGGGCAGCAAGCCC[C>G]GGGTCACTACCCCCACCGTGGTGAAACACATCCGGACCTACAAGCAGAGAGACCCCGGCA-3'
Protein context (NP_001359005.1, residues 67-87): LPGAIGGSKP[Arg77Gly]VTTPTVVKHI

ClinVar aggregate classification (germline): Uncertain significance (1 of 4 stars; one submission).

Conditions:
Hypodontia. Also called: Partial congenital absence of teeth; TOOTH AGENESIS, FAMILIAL; Tooth agenesis, selective. Identifiers: Orphanet 99798, MedGen C0020608, MONDO:0005486, HP:0000668. Disease mechanism: loss of function.

gnomAD v4.1: 1 of 1,613,990 alleles (0.000062%); highest among the groups gnomAD compares: Non-Finnish European, 0.000085%; no homozygotes.

Submission:

Labcorp Genetics (formerly Invitae), Labcorp
Classification: Uncertain significance for Hypodontia. Last evaluated: 2025-10-01. Review status: criteria provided, single submitter. Criteria: Invitae Variant Classification Sherloc (09022015). Collection method: clinical testing. Allele origin: germline.
Comment: This sequence change replaces arginine, which is basic and polar, with glycine, which is neutral and non-polar, at codon 77 of the PAX9 protein (p.Arg77Gly). This variant is not present in population databases (gnomAD no frequency). This missense change has been observed in individual(s) with oligodontia (PMID: 33078491). Invitae Evidence Modeling of protein sequence and biophysical properties (such as structural, functional, and spatial information, amino acid conservation, physicochemical variation, residue mobility, and thermodynamic stability) indicates that this missense variant is expected to disrupt PAX9 protein function with a positive predictive value of 80%. This variant disrupts the p.Arg77 amino acid residue in PAX9. Other variant(s) that disrupt this residue have been observed in individuals with PAX9-related conditions (PMID: 35182440), which suggests that this may be a clinically significant amino acid residue. In summary, the available evidence is currently insufficient to determine the role of this variant in disease. Therefore, it has been classified as a Variant of Uncertain Significance.

Literature cited by the submitters: PubMed 33078491; PubMed 35182440.